The following is an entry in ClinVar:

ClinVar aggregate classification (germline): Uncertain significance. Review status: criteria provided, multiple submitters, no conflicts (2 of 4 stars). 2 submissions from 2 submitters: Uncertain significance (2). Last evaluated 2024-03-30.

Conditions:
Hereditary cancer-predisposing syndrome. Also called: Neoplastic Syndromes, Hereditary; Tumor predisposition; Hereditary neoplastic syndrome; Hereditary Cancer Syndrome. Identifiers: Orphanet 140162, MedGen C0027672, MeSH D009386, MONDO:0015356.

gnomAD v4.1: 5 of 1,614,204 alleles (0.00031%); highest among the groups gnomAD compares: South Asian, 0.0055%; no homozygotes.

Submissions (2):

Ambry Genetics
Classification: Uncertain significance for Hereditary cancer-predisposing syndrome. Last evaluated: 2024-03-30. Review status: criteria provided, single submitter. Criteria: Ambry Variant Classification Scheme 2023. Collection method: clinical testing. Allele origin: germline.
Comment: The p.H735L variant (also known as c.2204A>T), located in coding exon 20 of the POLE gene, results from an A to T substitution at nucleotide position 2204. The histidine at codon 735 is replaced by leucine, an amino acid with similar properties. This amino acid position is conserved. In addition, the in silico prediction for this alteration is inconclusive. Based on the available evidence, the clinical significance of this alteration remains unclear.

Labcorp Genetics (formerly Invitae), Labcorp
Classification: Uncertain significance. Last evaluated: 2018-06-06. Review status: criteria provided, single submitter. Criteria: Invitae Variant Classification Sherloc (09022015). Collection method: clinical testing. Allele origin: germline.
Comment: This variant has not been reported in the literature in individuals with POLE-related disease. This sequence change replaces histidine with leucine at codon 735 of the POLE protein (p.His735Leu). The histidine residue is highly conserved and there is a moderate physicochemical difference between histidine and leucine. This variant is present in population databases (rs748425772, ExAC 0.006%). Algorithms developed to predict the effect of missense changes on protein structure and function are either unavailable or do not agree on the potential impact of this missense change (SIFT: "Tolerated"; PolyPhen-2: "Possibly Damaging"; Align-GVGD: "Class C35"). In summary, the available evidence is currently insufficient to determine the role of this variant in disease. Therefore, it has been classified as a Variant of Uncertain Significance.

NM_006231.4(POLE):c.2204A>T (p.His735Leu)

Gene: POLE (DNA polymerase epsilon, catalytic subunit; minus strand). Cytogenetic location: 12q24.33.
Variant type: single nucleotide variant.
Coding change: c.2204A>T on transcript NM_006231.4 (MANE Select); coding-DNA position 2204, A replaced by T.
Protein change: p.His735Leu; replaces histidine 735 with leucine.
Molecular consequence: missense variant.
Genome position (GRCh38, 1-based): chr12:132,667,618, T>A on the plus strand (A>T on the coding strand, the complement: POLE is on the minus strand). VCF-style: chr12-132667618-T-A. GRCh37 (hg19) VCF-style: chr12-133244204-T-A.
Other names: c.2204A>T (NM_006231.2); short protein forms H735L.
Identifiers: ClinVar variation 579041 (VCV000579041.11), dbSNP rs748425772, ClinGen allele CA6893630.